The following is an entry in ClinVar:

ClinVar aggregate classification (germline): Pathogenic (1 of 4 stars; one submission).

Conditions:
Peroxisome biogenesis disorder 7A (Zellweger). Also called: Peroxisome biogenesis disorder 7A. Identifiers: Orphanet 912, MedGen C3888385, MONDO:0013938, OMIM 614872.
Peroxisome biogenesis disorder 7B (PBD7B). Identifiers: Orphanet 44, MedGen C3553951, MONDO:0013939, OMIM 614873.

Submission:

Labcorp Genetics (formerly Invitae), Labcorp
Classification: Pathogenic for Peroxisome biogenesis disorder 7A (Zellweger); Peroxisome biogenesis disorder 7B. Last evaluated: 2024-02-04. Review status: criteria provided, single submitter. Criteria: Invitae Variant Classification Sherloc (09022015). Collection method: clinical testing. Allele origin: germline.
Comment: This sequence change creates a premature translational stop signal (p.Leu193Thrfs*22) in the PEX26 gene. It is expected to result in an absent or disrupted protein product. Loss-of-function variants in PEX26 are known to be pathogenic (PMID: 12851857, 21031596). This variant is not present in population databases (gnomAD no frequency). This variant has not been reported in the literature in individuals affected with PEX26-related conditions. For these reasons, this variant has been classified as Pathogenic.

Literature cited by the submitters: PubMed 12851857; PubMed 21031596.

NM_001127649.3(PEX26):c.575dup (p.Leu193fs)

Gene: PEX26 (peroxisomal biogenesis factor 26; plus strand). Cytogenetic location: 22q11.21.
Variant type: Duplication.
Coding change: c.575dup on transcript NM_001127649.3 (MANE Select); coding-DNA position 575, one base duplicated (G; older notation c.575dupG).
Protein change: p.Leu193fs; shifts the reading frame from leucine 193.
Molecular consequence: frameshift variant.
Genome position (GRCh38, 1-based): chr22:18,083,640, G duplicated. VCF-style (leftmost placement, unchanged base first): chr22-18083639-C-CG. GRCh37 (hg19) VCF-style: chr22-18566405-C-CG.
Other names: c.575dup, p.Leu193fs (NM_001199319.2, NM_017929.6); short protein forms L193fs.
Identifiers: ClinVar variation 3754409 (VCV003754409.2).